The following is an entry in ClinVar:

NM_001081.4(CUBN):c.6707A>G (p.Asn2236Ser)

Gene: CUBN (cubilin; minus strand). Cytogenetic location: 10p13.
Variant type: single nucleotide variant.
Coding change: c.6707A>G on transcript NM_001081.4 (MANE Select); coding-DNA position 6707, A replaced by G.
Protein change: p.Asn2236Ser; replaces asparagine 2236 with serine.
Molecular consequence: missense variant.
Genome position (GRCh38, 1-based): chr10:16,920,077, T>C on the plus strand (A>G on the coding strand, the complement: CUBN is on the minus strand). VCF-style: chr10-16920077-T-C. GRCh37 (hg19) VCF-style: chr10-16962076-T-C.
Other names: short protein forms N2236S.
Identifiers: ClinVar variation 2192360 (VCV002192360.5), dbSNP rs778740948, ClinGen allele CA5423602.

ClinVar aggregate classification (germline): Uncertain significance. Review status: criteria provided, multiple submitters, no conflicts (2 of 4 stars). 2 submissions from 2 submitters: Uncertain significance (2). Last evaluated 2023-12-24.

Conditions:
Imerslund-Grasbeck syndrome type 1 (IGS1). Also called: Imerslund-Gräsbeck syndrome 1; Megaloblastic anemia 1, Finnish type; MEGALOBLASTIC ANEMIA, 1. Identifiers: MedGen C4016819, MONDO:0100156, OMIM 261100.
Proteinuria, chronic benign. Identifiers: MedGen C5394384, MONDO:0030042, OMIM 618884.
Imerslund-Grasbeck syndrome. Also called: ENTEROCYTE COBALAMIN MALABSORPTION; ENTEROCYTE INTRINSIC FACTOR RECEPTOR, DEFECT OF; PERNICIOUS ANEMIA, JUVENILE, DUE TO SELECTIVE INTESTINAL MALABSORPTION OF VITAMIN B12, WITH PROTEINURIA; Imerslund-Gräsbeck syndrome; Megaloblastic anemia due to inborn errors of metabolism. Identifiers: Orphanet 35858, MedGen C4551825, MONDO:0009853.

Allele frequency attached by ClinVar (database versions not stated): ExAC 0.00001; gnomAD 0.00002; TOPMed 0.00002; gnomAD exomes 0.00002.
gnomAD v4.1: 31 of 1,613,816 alleles (0.0019%); highest among the groups gnomAD compares: African/African-American, 0.004%; no homozygotes.

Submissions (2):

Fulgent Genetics
Classification: Uncertain significance for Imerslund-Grasbeck syndrome type 1; Proteinuria, chronic benign. Last evaluated: 2023-12-24. Review status: criteria provided, single submitter. Criteria: ACMG Guidelines, 2015. Collection method: clinical testing. Allele origin: germline.

Labcorp Genetics (formerly Invitae), Labcorp
Classification: Uncertain significance for Imerslund-Grasbeck syndrome. Last evaluated: 2022-07-05. Review status: criteria provided, single submitter. Criteria: Invitae Variant Classification Sherloc (09022015). Collection method: clinical testing. Allele origin: germline.
Comment: This variant has not been reported in the literature in individuals affected with CUBN-related conditions. This variant is present in population databases (rs778740948, gnomAD 0.002%). Algorithms developed to predict the effect of missense changes on protein structure and function (SIFT, PolyPhen-2, Align-GVGD) all suggest that this variant is likely to be tolerated. In summary, the available evidence is currently insufficient to determine the role of this variant in disease. Therefore, it has been classified as a Variant of Uncertain Significance. This sequence change replaces asparagine, which is neutral and polar, with serine, which is neutral and polar, at codon 2236 of the CUBN protein (p.Asn2236Ser).